The following is an entry in ClinVar:

ClinVar aggregate classification (germline): Uncertain significance (1 of 4 stars; one submission).

Conditions:
Inborn genetic diseases. Identifiers: MedGen C0950123, MeSH D030342.

Submission:

Ambry Genetics
Classification: Uncertain significance for Inborn genetic diseases. Last evaluated: 2017-10-12. Review status: criteria provided, single submitter. Criteria: Ambry Variant Classification Scheme 2023. Collection method: clinical testing. Allele origin: germline.
Comment: The p.E1800G variant (also known as c.5399A>G), located in coding exon 7 of the ANKRD11 gene, results from an A to G substitution at nucleotide position 5399. The glutamic acid at codon 1800 is replaced by glycine, an amino acid with similar properties. This amino acid position is well conserved in available vertebrate species. In addition, this alteration is predicted to be tolerated by in silico analysis. Since supporting evidence is limited at this time, the clinical significance of this alteration remains unclear.

NM_013275.6(ANKRD11):c.5399A>G (p.Glu1800Gly)

Gene: ANKRD11 (ankyrin repeat domain containing 11; minus strand). Cytogenetic location: 16q24.3.
Variant type: single nucleotide variant.
Coding change: c.5399A>G on transcript NM_013275.6 (MANE Select); coding-DNA position 5399, A replaced by G.
Protein change: p.Glu1800Gly; replaces glutamic acid 1800 with glycine.
Molecular consequence: missense variant.
Genome position (GRCh38, 1-based): chr16:89,281,143, T>C on the plus strand (A>G on the coding strand, the complement: ANKRD11 is on the minus strand). VCF-style: chr16-89281143-T-C. GRCh37 (hg19) VCF-style: chr16-89347551-T-C.
Other names: c.5399A>G, p.Glu1800Gly (NM_001256182.2, NM_001256183.2); short protein forms E1800G.
Identifiers: ClinVar variation 1747262 (VCV001747262.2), dbSNP rs2544228226, ClinGen allele CA397154391.